The following is an entry in ClinVar:

ClinVar aggregate classification (germline): Likely benign (1 of 4 stars; one submission).

Allele frequency attached by ClinVar (database versions not stated): gnomAD exomes below 0.00001 and 0.00002; gnomAD 0.00001; ExAC 0.00003.
gnomAD v4.1: 5 of 1,451,962 alleles (0.00034%); highest among the groups gnomAD compares: African/African-American, 0.0044%; no homozygotes.

Submission:

GeneDx
Classification: Likely benign. Last evaluated: 2018-06-07. Review status: criteria provided, single submitter. Criteria: GeneDx Variant Classification (06012015). Collection method: clinical testing. Allele origin: germline. Affected: yes.
Comment: This variant is considered likely benign or benign based on one or more of the following criteria: it is a conservative change, it occurs at a poorly conserved position in the protein, it is predicted to be benign by multiple in silico algorithms, and/or has population frequency not consistent with disease.

NM_017617.5(NOTCH1):c.2452C>T (p.Leu818=)

Gene: NOTCH1 (notch receptor 1; minus strand). Cytogenetic location: 9q34.3.
Variant type: single nucleotide variant.
Coding change: c.2452C>T on transcript NM_017617.5 (MANE Select); coding-DNA position 2452, C replaced by T.
Protein change: p.Leu818=; no amino-acid change (leucine 818 retained).
Molecular consequence: synonymous variant.
Genome position (GRCh38, 1-based): chr9:136,513,036, G>A on the plus strand (C>T on the coding strand, the complement: NOTCH1 is on the minus strand). VCF-style: chr9-136513036-G-A. GRCh37 (hg19) VCF-style: chr9-139407488-G-A.
Identifiers: ClinVar variation 669779 (VCV000669779.1), dbSNP rs199841979, ClinGen allele CA5341354.